The following is an entry in ClinVar:

NM_000059.4(BRCA2):c.7064A>G (p.Glu2355Gly)

Gene: BRCA2 (BRCA2 DNA repair associated; plus strand). Cytogenetic location: 13q13.1.
Variant type: single nucleotide variant.
Coding change: c.7064A>G on transcript NM_000059.4 (MANE Select); coding-DNA position 7064, A replaced by G.
Protein change: p.Glu2355Gly; replaces glutamic acid 2355 with glycine.
Molecular consequence: missense variant.
Genome position (GRCh38, 1-based): chr13:32,354,917, A>G. VCF-style: chr13-32354917-A-G. GRCh37 (hg19) VCF-style: chr13-32929054-A-G.
Other names: c.7064A>G (NM_000059.3); short protein forms E2355G.
Identifiers: ClinVar variation 1005995 (VCV001005995.8), dbSNP rs2072677238, ClinGen allele CA387738351.

ClinVar aggregate classification (germline): Uncertain significance. Review status: criteria provided, multiple submitters, no conflicts (2 of 4 stars). 3 submissions from 3 submitters: Uncertain significance (3). Last evaluated 2025-09-01.

Conditions:
Hereditary cancer-predisposing syndrome. Also called: Hereditary neoplastic syndrome; Neoplastic Syndromes, Hereditary; Tumor predisposition; Hereditary Cancer Syndrome. Identifiers: Orphanet 140162, MedGen C0027672, MeSH D009386, MONDO:0015356.
Hereditary breast ovarian cancer syndrome. Also called: Hereditary breast and/or ovarian cancer syndrome; Hereditary breast and ovarian cancer syndrome; Hereditary breast and ovarian cancer syndrome (HBOC); Breast and ovarian cancer; BRCA1- and BRCA2-Associated Hereditary Breast and Ovarian Cancer; Hereditary breast and ovarian cancer. Identifiers: Orphanet 145, MedGen C0677776, MeSH D061325, MONDO:0003582. Disease mechanism: loss of function.

Allele frequency attached by ClinVar (database versions not stated): gnomAD exomes below 0.00001.
gnomAD v4.1: 2 of 1,613,880 alleles (0.00012%); highest among the groups gnomAD compares: East Asian, 0.0022%; no homozygotes.

Submissions (3):

Color Diagnostics, LLC DBA Color Health
Classification: Uncertain significance for Hereditary cancer-predisposing syndrome. Last evaluated: 2025-09-01. Review status: criteria provided, single submitter. Criteria: ACMG Guidelines, 2015. Collection method: clinical testing. Allele origin: germline.
Comment: This missense variant replaces glutamic acid with glycine at codon 2355 of the BRCA2 protein. Computational prediction suggests that this variant may not impact protein structure and function. To our knowledge, functional studies have not been reported for this variant. This variant has not been reported in individuals affected with BRCA2-related disorders in the literature. This variant has not been identified in the general population by the Genome Aggregation Database (gnomAD). The available evidence is insufficient to determine the role of this variant in disease conclusively. Therefore, this variant is classified as a Variant of Uncertain Significance.

Ambry Genetics
Classification: Uncertain significance for Hereditary cancer-predisposing syndrome. Last evaluated: 2025-06-14. Review status: criteria provided, single submitter. Criteria: Ambry Variant Classification Scheme 2023. Collection method: clinical testing. Allele origin: germline.
Comment: The p.E2355G variant (also known as c.7064A>G), located in coding exon 13 of the BRCA2 gene, results from an A to G substitution at nucleotide position 7064. The glutamic acid at codon 2355 is replaced by glycine, an amino acid with similar properties. This amino acid position is conserved. In addition, this alteration is predicted to be tolerated by in silico analysis. Based on the available evidence, the clinical significance of this variant remains unclear.

Labcorp Genetics (formerly Invitae), Labcorp
Classification: Uncertain significance for Hereditary breast ovarian cancer syndrome. Last evaluated: 2022-04-03. Review status: criteria provided, single submitter. Criteria: Invitae Variant Classification Sherloc (09022015). Collection method: clinical testing. Allele origin: germline.
Comment: This sequence change replaces glutamic acid, which is acidic and polar, with glycine, which is neutral and non-polar, at codon 2355 of the BRCA2 protein (p.Glu2355Gly). This variant is not present in population databases (gnomAD no frequency). This variant has not been reported in the literature in individuals affected with BRCA2-related conditions. ClinVar contains an entry for this variant (Variation ID: 1005995). Advanced modeling of protein sequence and biophysical properties (such as structural, functional, and spatial information, amino acid conservation, physicochemical variation, residue mobility, and thermodynamic stability) performed at Invitae indicates that this missense variant is not expected to disrupt BRCA2 protein function. In summary, the available evidence is currently insufficient to determine the role of this variant in disease. Therefore, it has been classified as a Variant of Uncertain Significance.